The following is an entry in ClinVar:

ClinVar aggregate classification (germline): Uncertain significance. Review status: criteria provided, multiple submitters, no conflicts (2 of 4 stars). 3 submissions from 3 submitters: Uncertain significance (3). Last evaluated 2025-07-29.

Conditions:
Familial cancer of breast. Also called: hereditary breast carcinoma; Hereditary breast cancer; BREAST CANCER, FAMILIAL. Identifiers: Orphanet 227535, MedGen C0346153, MONDO:0016419, OMIM 114480. Disease mechanism: loss of function.
Hereditary cancer-predisposing syndrome. Also called: Tumor predisposition; Hereditary neoplastic syndrome; Neoplastic Syndromes, Hereditary; Hereditary Cancer Syndrome. Identifiers: Orphanet 140162, MedGen C0027672, MeSH D009386, MONDO:0015356.

Submissions (3):

Color Diagnostics, LLC DBA Color Health
Classification: Uncertain significance for Hereditary cancer-predisposing syndrome. Last evaluated: 2025-07-29. Review status: criteria provided, single submitter. Criteria: ACMG Guidelines, 2015. Collection method: clinical testing. Allele origin: germline.
Comment: This missense variant replaces glutamine with arginine at codon 510 of the CHEK2 protein. Computational prediction suggests that this variant may not impact protein structure and function. To our knowledge, functional studies have not been reported for this variant. This variant has not been reported in individuals affected with CHEK2-related disorders in the literature. This variant has not been identified in the general population by the Genome Aggregation Database (gnomAD). The available evidence is insufficient to determine the role of this variant in disease conclusively. Therefore, this variant is classified as a Variant of Uncertain Significance.

Labcorp Genetics (formerly Invitae), Labcorp
Classification: Uncertain significance for Familial cancer of breast. Last evaluated: 2025-04-23. Review status: criteria provided, single submitter. Criteria: Invitae Variant Classification Sherloc (09022015). Collection method: clinical testing. Allele origin: germline.
Comment: This sequence change replaces glutamine, which is neutral and polar, with arginine, which is basic and polar, at codon 510 of the CHEK2 protein (p.Gln510Arg). This variant is not present in population databases (gnomAD no frequency). This variant has not been reported in the literature in individuals affected with CHEK2-related conditions. ClinVar contains an entry for this variant (Variation ID: 819462). An algorithm developed to predict the effect of missense changes on protein structure and function (PolyPhen-2) suggests that this variant is likely to be tolerated. In summary, the available evidence is currently insufficient to determine the role of this variant in disease. Therefore, it has been classified as a Variant of Uncertain Significance.

Ambry Genetics
Classification: Uncertain significance for Hereditary cancer-predisposing syndrome. Last evaluated: 2022-09-26. Review status: criteria provided, single submitter. Criteria: Ambry Variant Classification Scheme 2023. Collection method: clinical testing. Allele origin: germline.
Comment: The p.Q510R variant (also known as c.1529A>G), located in coding exon 13 of the CHEK2 gene, results from an A to G substitution at nucleotide position 1529. The glutamine at codon 510 is replaced by arginine, an amino acid with highly similar properties. This amino acid position is not well conserved in available vertebrate species. In addition, this alteration is predicted to be tolerated by in silico analysis. Since supporting evidence is limited at this time, the clinical significance of this alteration remains unclear.

NM_007194.4(CHEK2):c.1529A>G (p.Gln510Arg)

Gene: CHEK2 (checkpoint kinase 2; minus strand). Cytogenetic location: 22q12.1.
Variant type: single nucleotide variant.
Coding change: c.1529A>G on transcript NM_007194.4 (MANE Select); coding-DNA position 1529, A replaced by G.
Protein change: p.Gln510Arg; replaces glutamine 510 with arginine.
Molecular consequence: missense variant.
Genome position (GRCh38, 1-based): chr22:28,689,148, T>C on the plus strand (A>G on the coding strand, the complement: CHEK2 is on the minus strand). VCF-style: chr22-28689148-T-C. GRCh37 (hg19) VCF-style: chr22-29085136-T-C.
Other names: c.1658A>G, p.Gln553Arg (NM_001005735.3); c.866A>G, p.Gln289Arg (NM_001257387.3); c.1328A>G, p.Gln443Arg (NM_001349956.3); c.1442A>G, p.Gln481Arg (NM_145862.3); short protein forms Q510R, Q443R, Q553R, Q289R, Q481R.
Identifiers: ClinVar variation 819462 (VCV000819462.15), dbSNP rs1601701772, ClinGen allele CA411092328.